The following is an entry in ClinVar:

NM_000059.4(BRCA2):c.839A>G (p.Lys280Arg)

Gene: BRCA2 (BRCA2 DNA repair associated; plus strand). Cytogenetic location: 13q13.1.
Variant type: single nucleotide variant.
Coding change: c.839A>G on transcript NM_000059.4 (MANE Select); coding-DNA position 839, A replaced by G.
Protein change: p.Lys280Arg; replaces lysine 280 with arginine.
Molecular consequence: missense variant.
Genome position (GRCh38, 1-based): chr13:32,332,317, A>G. VCF-style: chr13-32332317-A-G. GRCh37 (hg19) VCF-style: chr13-32906454-A-G.
Other names: short protein forms K280R.
Identifiers: ClinVar variation 1395037 (VCV001395037.12), dbSNP rs1306507591, ClinGen allele CA387760490.
Genomic context (GRCh38, chr13:32,332,317, plus strand): 5'-TTTATACTTTAACAGGATTTGGAAAAACATCAGGGAATTCATTTAAAGTAAATAGCTGCA[A>G]AGACCACATTGGAAAGTCAATGCCAAATGTCCTAGAAGATGAAGTATATGAAACAGTTGT-3'
Protein context (NP_000050.3, residues 270-290): SGNSFKVNSC[Lys280Arg]DHIGKSMPNV

ClinVar aggregate classification (germline): Conflicting classifications of pathogenicity. Review status: criteria provided, conflicting classifications (1 of 4 stars). 4 submissions from 4 submitters: Uncertain significance (3); Likely benign (1). Last evaluated 2023-10-11.

Conditions:
Hereditary cancer-predisposing syndrome. Also called: Neoplastic Syndromes, Hereditary; Hereditary neoplastic syndrome; Tumor predisposition; Hereditary Cancer Syndrome. Identifiers: Orphanet 140162, MedGen C0027672, MeSH D009386, MONDO:0015356.
BRCA2-related disorder. Also called: BRCA2-related condition; BRCA2-related disorders. Identifiers: MedGen CN239275.
Hereditary breast ovarian cancer syndrome. Also called: BRCA1- and BRCA2-Associated Hereditary Breast and Ovarian Cancer; Hereditary breast and ovarian cancer syndrome (HBOC); Hereditary breast and ovarian cancer syndrome; Hereditary breast and ovarian cancer; Breast and ovarian cancer; Hereditary breast and/or ovarian cancer syndrome. Identifiers: Orphanet 145, MedGen C0677776, MeSH D061325, MONDO:0003582. Disease mechanism: loss of function.

Allele frequency attached by ClinVar (database versions not stated): gnomAD 0.00001; TOPMed 0.00001.
gnomAD v4.1: 1 of 1,606,050 alleles (0.000062%); highest among the groups gnomAD compares: African/African-American, 0.0013%; no homozygotes.

Submissions (4):

Ambry Genetics
Classification: Uncertain significance for Hereditary cancer-predisposing syndrome. Last evaluated: 2023-10-11. Review status: criteria provided, single submitter. Criteria: Ambry Variant Classification Scheme 2023. Collection method: clinical testing. Allele origin: germline.
Comment: The p.K280R variant (also known as c.839A>G), located in coding exon 9 of the BRCA2 gene, results from an A to G substitution at nucleotide position 839. The lysine at codon 280 is replaced by arginine, an amino acid with highly similar properties. This amino acid position is not well conserved in available vertebrate species. In addition, this alteration is predicted to be tolerated by in silico analysis. Since supporting evidence is limited at this time, the clinical significance of this alteration remains unclear.

University of Washington Department of Laboratory Medicine, University of Washington
Classification: Likely benign for Hereditary cancer-predisposing syndrome. Last evaluated: 2023-03-23. Review status: criteria provided, single submitter. Criteria: Dines et al. (Genet Med. 2020). Collection method: curation. Allele origin: germline.
Comment: Missense variant in a coldspot region where missense variants are very unlikely to be pathogenic (PMID:31911673).

BRCA2 exon 10 coldspot. Reclassification based on statistical prior probability.

PreventionGenetics, part of Exact Sciences
Classification: Uncertain significance for BRCA2-related condition. Last evaluated: 2022-12-05. Review status: criteria provided, single submitter. Criteria: ACMG Guidelines, 2015. Collection method: clinical testing. Allele origin: germline.
Comment: The BRCA2 c.839A>G variant is predicted to result in the amino acid substitution p.Lys280Arg. To our knowledge, this variant has not been reported in the literature. This variant is reported in 0.011% of alleles in individuals of African descent in gnomAD and is interpreted as uncertain significance in ClinVar. At this time, the clinical significance of this variant is uncertain due to the absence of conclusive functional and genetic evidence.

Labcorp Genetics (formerly Invitae), Labcorp
Classification: Uncertain significance for Hereditary breast ovarian cancer syndrome. Last evaluated: 2022-11-23. Review status: criteria provided, single submitter. Criteria: Invitae Variant Classification Sherloc (09022015). Collection method: clinical testing. Allele origin: germline.
Comment: This variant has not been reported in the literature in individuals affected with BRCA2-related conditions. This variant is present in population databases (no rsID available, gnomAD 0.01%). This sequence change replaces lysine, which is basic and polar, with arginine, which is basic and polar, at codon 280 of the BRCA2 protein (p.Lys280Arg). ClinVar contains an entry for this variant (Variation ID: 1395037). In summary, the available evidence is currently insufficient to determine the role of this variant in disease. Therefore, it has been classified as a Variant of Uncertain Significance. Advanced modeling of protein sequence and biophysical properties (such as structural, functional, and spatial information, amino acid conservation, physicochemical variation, residue mobility, and thermodynamic stability) performed at Invitae indicates that this missense variant is not expected to disrupt BRCA2 protein function.